The following is an entry in ClinVar:

NM_015557.3(CHD5):c.3366G>C (p.Trp1122Cys)

Gene: CHD5 (chromodomain helicase DNA binding protein 5; minus strand). Cytogenetic location: 1p36.31.
Variant type: single nucleotide variant.
Coding change: c.3366G>C on transcript NM_015557.3 (MANE Select); coding-DNA position 3366, G replaced by C.
Protein change: p.Trp1122Cys; replaces tryptophan 1122 with cysteine.
Molecular consequence: missense variant.
Genome position (GRCh38, 1-based): chr1:6,130,225, C>G on the plus strand (G>C on the coding strand, the complement: CHD5 is on the minus strand). VCF-style: chr1-6130225-C-G. GRCh37 (hg19) VCF-style: chr1-6190285-C-G.
Other names: short protein forms W1122C.
Identifiers: ClinVar variation 4813468 (VCV004813468.1).

ClinVar aggregate classification (germline): Likely pathogenic (1 of 4 stars; one submission).

Conditions:
Parenti-mignot neurodevelopmental syndrome. Identifiers: MedGen C5676984, MONDO:0859249, OMIM 619873.

Submission:

MVZ Praenatalmedizin und Genetik Nuernberg
Classification: Likely pathogenic for Parenti-mignot neurodevelopmental syndrome. Last evaluated: 2025-01-17. Review status: criteria provided, single submitter. Criteria: ACMG Guidelines, 2015. Collection method: clinical testing. Allele origin: de novo. Affected: yes.
Comment: It has not yet been detected in the general population (gnomAD v2, v4), annotated in the ClinVar database, or described in the literature. In silico predictions consistently indicate a pathogenic effect of the variant (CADD 32, REVEL 0.9, alphaMissense 1.0, MetaRNN: 0.97). The majority of CHD5 mutations described to date are de novo missense alterations, some of which are also located in the immediate vicinity of the alteration detected here (including A1102E, P1124L, R1136H, N1140I). The detected variant leads to a replacement of the highly conserved amino acid tryptophan with cysteine at position p.1122 in the essential C-terminal helicase domain of the CHD5 protein. In the highly homologous C-terminal helicase domains of the CHD3 and CHD4 genes, various pathogenic missense variants have also been described for different forms of developmental delays (PMID: 30397230, 27616479). In particular, exchanges at the equivalent amino acid position of the tryptophan affected here have already been classified as pathogenic in both CHD3 and CHD4 (CHD3(NM_001005273.3):p.(Trp1158Arg) and CHD4(NM_001273.5):(p.Trp1148Leu). In summary, based on the current data, we believe that the detected CHD5 variant is likely pathogenic.

Literature cited by the submitters: PubMed 30397230; PubMed 27616479.